The following is an entry in ClinVar:

ClinVar aggregate classification (germline): Uncertain significance (1 of 4 stars; one submission).

Conditions:
Cardiovascular phenotype. Identifiers: MedGen CN230736.

Submission:

Ambry Genetics
Classification: Uncertain significance for Cardiovascular phenotype. Last evaluated: 2025-05-17. Review status: criteria provided, single submitter. Criteria: Ambry Variant Classification Scheme 2023. Collection method: clinical testing. Allele origin: germline.
Comment: The p.L245M variant (also known as c.733C>A), located in coding exon 5 of the LCAT gene, results from a C to A substitution at nucleotide position 733. The leucine at codon 245 is replaced by methionine, an amino acid with highly similar properties. This amino acid position is conserved. In addition, this alteration is predicted to be tolerated by in silico analysis. Based on the available evidence, the clinical significance of this variant remains unclear.

NM_000229.2(LCAT):c.733C>A (p.Leu245Met)

Gene: LCAT (lecithin-cholesterol acyltransferase; minus strand). Cytogenetic location: 16q22.1.
Variant type: single nucleotide variant.
Coding change: c.733C>A on transcript NM_000229.2 (MANE Select); coding-DNA position 733, C replaced by A.
Protein change: p.Leu245Met; replaces leucine 245 with methionine.
Molecular consequence: missense variant.
Genome position (GRCh38, 1-based): chr16:67,942,378, G>T on the plus strand (C>A on the coding strand, the complement: LCAT is on the minus strand). VCF-style: chr16-67942378-G-T. GRCh37 (hg19) VCF-style: chr16-67976281-G-T.
Other names: short protein forms L245M.
Identifiers: ClinVar variation 4046472 (VCV004046472.1).